The following is an entry in ClinVar:

ClinVar aggregate classification (germline): Likely benign (0 of 4 stars; one submission).

Conditions:
KDM6B-related disorder. Also called: KDM6B-related condition.

Allele frequency attached by ClinVar (database versions not stated): gnomAD exomes below 0.00001; ExAC 0.00001; gnomAD 0.00001.
gnomAD v4.1: 6 of 1,613,294 alleles (0.00037%); highest among the groups gnomAD compares: Admixed American, 0.01%; no homozygotes.

Submissions (2):

PreventionGenetics, part of Exact Sciences
Classification: Likely benign for KDM6B-related condition. Last evaluated: 2023-01-23. Review status: no assertion criteria provided. Collection method: clinical testing. Allele origin: germline.
Comment: This variant is classified as likely benign based on ACMG/AMP sequence variant interpretation guidelines (Richards et al. 2015 PMID: 25741868, with internal and published modifications).

Dr. Peter K. Rogan Lab, Western University
No classification provided (evidence only). Condition: Ovarian serous cystadenocarcinoma. Review status: no classification provided. Collection method: in vitro. Allele origin: not applicable. Functional consequence: retained intron. Not counted in ClinVar's aggregate classification.

NM_001348716.2(KDM6B):c.138A>G (p.Arg46=)

Gene: KDM6B (lysine demethylase 6B; plus strand). Cytogenetic location: 17p13.1.
Variant type: single nucleotide variant.
Coding change: c.138A>G on transcript NM_001348716.2 (MANE Select); coding-DNA position 138, A replaced by G.
Protein change: p.Arg46=; no amino-acid change (arginine 46 retained).
Molecular consequence: synonymous variant.
Genome position (GRCh38, 1-based): chr17:7,845,872, A>G. VCF-style: chr17-7845872-A-G. GRCh37 (hg19) VCF-style: chr17-7749190-A-G.
Other names: NC_000017.10:g.7749190A>G; c.138A>G, p.Arg46= (NM_001080424.2).
Identifiers: ClinVar variation 3052582 (VCV003052582.3), dbSNP rs763262499, ClinGen allele CA8360085.
Genomic context (GRCh38, chr17:7,845,872, plus strand): 5'-GCCTAGGTAGGACAAGACTGCTCCTTTTTGCCGTATATAACAGACTCCTTCTCTCTCCAG[A>G]TGCTCAGCCAGCATTGGGCAGCCCCCGCTTCCTGCTCCCCTACCCCCTTCACATGGCAGT-3'
Protein context (NP_001335645.1, residues 36-56): PPRSAWLPGG[Arg46=]CSASIGQPPL